The following is an entry in ClinVar:

ClinVar aggregate classification (germline): Uncertain significance. Review status: criteria provided, multiple submitters, no conflicts (2 of 4 stars). 3 submissions from 3 submitters: Uncertain significance (3). Last evaluated 2025-06-29.

Conditions:
Inborn genetic diseases. Identifiers: MedGen C0950123, MeSH D030342.

Allele frequency attached by ClinVar (database versions not stated): gnomAD 0.00001; gnomAD exomes 0.00001; TOPMed 0.00001.
gnomAD v4.1: 9 of 1,210,446 alleles (0.00074%); highest among the groups gnomAD compares: Non-Finnish European, 0.001%; no homozygotes.

Submissions (3):

Ambry Genetics
Classification: Uncertain significance for Inborn genetic diseases. Last evaluated: 2025-06-29. Review status: criteria provided, single submitter. Criteria: Ambry Variant Classification Scheme 2023. Collection method: clinical testing. Allele origin: germline.

Labcorp Genetics (formerly Invitae), Labcorp
Classification: Uncertain significance. Last evaluated: 2024-10-22. Review status: criteria provided, single submitter. Criteria: Invitae Variant Classification Sherloc (09022015). Collection method: clinical testing. Allele origin: germline.
Comment: This sequence change replaces leucine, which is neutral and non-polar, with valine, which is neutral and non-polar, at codon 226 of the BCAP31 protein (p.Leu226Val). This variant is not present in population databases (gnomAD no frequency). This variant has not been reported in the literature in individuals affected with BCAP31-related conditions. ClinVar contains an entry for this variant (Variation ID: 1932475). An algorithm developed to predict the effect of missense changes on protein structure and function (PolyPhen-2) suggests that this variant is likely to be disruptive. In summary, the available evidence is currently insufficient to determine the role of this variant in disease. Therefore, it has been classified as a Variant of Uncertain Significance.

CeGaT Center for Human Genetics Tuebingen
Classification: Uncertain significance. Last evaluated: 2023-10-01. Review status: criteria provided, single submitter. Criteria: CeGaT Center For Human Genetics Tuebingen Variant Classification Criteria Version 2. Collection method: clinical testing. Allele origin: germline. Affected: yes. Observed: 2 variant alleles.
Comment: BCAP31: PM2

NM_001256447.2(BCAP31):c.676T>G (p.Leu226Val)

Gene: BCAP31 (B cell receptor associated protein 31; minus strand). Cytogenetic location: Xq28.
Variant type: single nucleotide variant.
Coding change: c.676T>G on transcript NM_001256447.2 (MANE Select); coding-DNA position 676, T replaced by G.
Protein change: p.Leu226Val; replaces leucine 226 with valine.
Molecular consequence: missense variant.
Genome position (GRCh38, 1-based): chrX:153,702,033, A>C on the plus strand (T>G on the coding strand, the complement: BCAP31 is on the minus strand). VCF-style: chrX-153702033-A-C. GRCh37 (hg19) VCF-style: chrX-152967488-A-C.
Other names: c.676T>G, p.Leu226Val (NM_001139441.1, NM_005745.8); c.877T>G, p.Leu293Val (NM_001139457.2); c.877T>G (NM_001139457.1); short protein forms L226V, L293V.
Identifiers: ClinVar variation 1932475 (VCV001932475.30), dbSNP rs1270070847, ClinGen allele CA415093076.